The following is an entry in ClinVar:

ClinVar aggregate classification (germline): Likely pathogenic (0 of 4 stars; one submission).

Conditions:
SLC45A2-related disorder. Also called: SLC45A2-related condition.

Submission:

PreventionGenetics, part of Exact Sciences
Classification: Likely pathogenic for SLC45A2-related condition. Last evaluated: 2024-08-19. Review status: no assertion criteria provided. Collection method: clinical testing. Allele origin: germline.
Comment: The SLC45A2 c.459_470del12 variant is predicted to result in an in-frame deletion (p.Ala155_Phe158del). This variant has been reported in multiple individuals with oculocutaneous albinism (Qiu et al. 2018. PubMed ID: 29437493; Wei et al. 2021. PubMed ID: 34838614). This variant has not been reported in a large population database, indicating this variant is rare. Given the evidence, we interpret this variant as likely pathogenic.

NM_016180.5(SLC45A2):c.459_470del (p.Ala155_Phe158del)

Gene: SLC45A2 (solute carrier family 45 member 2; minus strand). Cytogenetic location: 5p13.2.
Variant type: Deletion.
Coding change: c.459_470del on transcript NM_016180.5 (MANE Select); coding-DNA positions 459 to 470, 12 bases deleted (TTTTGCTGCCGA).
Protein change: p.Ala155_Phe158del.
Molecular consequence: inframe deletion.
Genome position (GRCh38, 1-based): chr5:33,982,328-33,982,339, TCGGCAGCAAAA deleted on the plus strand (TTTTGCTGCCGA on the coding strand, the reverse complement: SLC45A2 is on the minus strand); deleting any 12 consecutive bases within chr5:33,982,328-33,982,341 gives the same sequence; the c. name uses the placement nearest the transcript's 3' end. VCF-style (leftmost placement, unchanged base first): chr5-33982327-GTCGGCAGCAAAA-G. GRCh37 (hg19) VCF-style: chr5-33982432-GTCGGCAGCAAAA-G.
Other names: c.459_470del, p.Ala155_Phe158del (NM_001012509.4, NM_001297417.4).
Identifiers: ClinVar variation 3357644 (VCV003357644.1).
Genomic context (GRCh38, chr5:33,982,327, plus strand): 5'-CTCCTTGTCCTGATGGGAGCAGACATCAAATAAGTAGGCTTTGATGGGCCCATCAATGAA[GTCGGCAGCAAAA>G]TCAAAGAGAACGACACCTATCATGGTGACACTTATGGCCCAAACCAGCTTCCTCCTTGGG-3'